The following is an entry in ClinVar:

NM_001003800.2(BICD2):c.2306C>T (p.Ala769Val)

Gene: BICD2 (BICD cargo adaptor 2; minus strand). Cytogenetic location: 9q22.31.
Variant type: single nucleotide variant.
Coding change: c.2306C>T on transcript NM_001003800.2 (MANE Select); coding-DNA position 2306, C replaced by T.
Protein change: p.Ala769Val; replaces alanine 769 with valine.
Molecular consequence: missense variant.
Genome position (GRCh38, 1-based): chr9:92,715,416, G>A on the plus strand (C>T on the coding strand, the complement: BICD2 is on the minus strand). VCF-style: chr9-92715416-G-A. GRCh37 (hg19) VCF-style: chr9-95477698-G-A.
Other names: c.2306C>T, p.Ala769Val (NM_015250.4); short protein forms A769V.
Identifiers: ClinVar variation 855892 (VCV000855892.11), dbSNP rs773121830, ClinGen allele CA5126331.
Genomic context (GRCh38, chr9:92,715,416, plus strand): 5'-TTCTGCTGGATGGCCATGCGCAGCAGCGAGTTCAGCGTCTTCTTCTCGTCCTCAGCAGCC[G>A]CCAGCTGCCGCTGCATCTCATCCAGCTGTGTAATGTACTCGTCACACCTGTGGGTACCAA-3'
Protein context (NP_001003800.1, residues 759-779): TQLDEMQRQL[Ala769Val]AAEDEKKTLN

ClinVar aggregate classification (germline): Uncertain significance. Review status: criteria provided, multiple submitters, no conflicts (2 of 4 stars). 2 submissions from 2 submitters: Uncertain significance (2). Last evaluated 2021-11-15.

Conditions:
Autosomal dominant childhood-onset proximal spinal muscular atrophy with contractures (SMALED2A). Also called: SPINAL MUSCULAR ATROPHY, LOWER EXTREMITY-PREDOMINANT, 2A, CHILDHOOD ONSET, AUTOSOMAL DOMINANT; Spinal muscular atrophy, lower extremity-predominant, 2A, autosomal dominant. Identifiers: Orphanet 363447, Orphanet 363454, MedGen C4747715, MONDO:0014121, OMIM 615290.

Allele frequency attached by ClinVar (database versions not stated): TOPMed below 0.00001; gnomAD exomes 0.00001; ExAC 0.00002.
gnomAD v4.1: 10 of 1,604,268 alleles (0.00062%); highest among the groups gnomAD compares: East Asian, 0.0067%; no homozygotes.

Submissions (2):

Blueprint Genetics
Classification: Uncertain significance. Last evaluated: 2021-11-15. Review status: criteria provided, single submitter. Criteria: ACMG Guidelines, 2015. Collection method: clinical testing. Allele origin: germline.

Labcorp Genetics (formerly Invitae), Labcorp
Classification: Uncertain significance for Autosomal dominant childhood-onset proximal spinal muscular atrophy with contractures. Last evaluated: 2019-12-19. Review status: criteria provided, single submitter. Criteria: Invitae Variant Classification Sherloc (09022015). Collection method: clinical testing. Allele origin: germline.
Comment: This sequence change replaces alanine with valine at codon 769 of the BICD2 protein (p.Ala769Val). The alanine residue is moderately conserved and there is a small physicochemical difference between alanine and valine. This variant is present in population databases (rs773121830, ExAC 0.003%). This variant has not been reported in the literature in individuals with BICD2-related conditions. Algorithms developed to predict the effect of missense changes on protein structure and function (SIFT, PolyPhen-2, Align-GVGD) all suggest that this variant is likely to be tolerated, but these predictions have not been confirmed by published functional studies and their clinical significance is uncertain. In summary, the available evidence is currently insufficient to determine the role of this variant in disease. Therefore, it has been classified as a Variant of Uncertain Significance.